The following is an entry in ClinVar:

ClinVar aggregate classification (germline): Uncertain significance. Review status: criteria provided, multiple submitters, no conflicts (2 of 4 stars). 3 submissions from 3 submitters: Uncertain significance (3). Last evaluated 2026-05-18.

Conditions:
Ehlers-Danlos syndrome, kyphoscoliotic type 1 (EDSKSCL1). Also called: Ehlers-Danlos syndrome, hydroxylysine-deficient; PLOD1-Related Kyphoscoliotic Ehlers-Danlos Syndrome; EHLERS-DANLOS SYNDROME, TYPE VIA; EHLERS-DANLOS SYNDROME, OCULAR-SCOLIOTIC TYPE. Identifiers: Orphanet 1900, MedGen C0268342, MONDO:0016002, OMIM 225400. Disease mechanism: loss of function.
Familial thoracic aortic aneurysm and aortic dissection (TAAD). Also called: Thoracic aortic aneurysms and dissections. Identifiers: Orphanet 91387, MedGen C4707243, MONDO:0019625.

Allele frequency attached by ClinVar (database versions not stated): TOPMed 0.00003; gnomAD exomes 0.00003 and 0.00004; gnomAD 0.00006; ExAC 0.00001.
gnomAD v4.1: 59 of 1,613,968 alleles (0.0037%); highest among the groups gnomAD compares: Admixed American, 0.012%; 1 homozygote.

Submissions (3):

Women's Health and Genetics/Laboratory Corporation of America, LabCorp
Classification: Uncertain significance. Last evaluated: 2026-05-18. Review status: criteria provided, single submitter. Criteria: LabCorp Variant Classification Summary - May 2015. Collection method: clinical testing. Allele origin: germline.
Comment: Variant summary: PLOD1 c.928C>T (p.Arg310Trp) results in a non-conservative amino acid change in the encoded protein sequence. Algorithms developed to predict the effect of missense changes on protein structure and function are either unavailable or do not agree on the potential impact of this missense change. The variant allele was found at a frequency of 3.6e-05 in 251122 control chromosomes (gnomAD). The available data on variant occurrences in the general population are insufficient to allow any conclusion about variant significance. To our knowledge, no occurrence of c.928C>T in individuals affected with PLOD1-related conditions and no experimental evidence demonstrating its impact on protein function have been reported. ClinVar contains an entry for this variant (Variation ID: 1059838). Based on the evidence outlined above, the variant was classified as uncertain significance.

Labcorp Genetics (formerly Invitae), Labcorp
Classification: Uncertain significance for Ehlers-Danlos syndrome, kyphoscoliotic type 1. Last evaluated: 2022-09-13. Review status: criteria provided, single submitter. Criteria: Invitae Variant Classification Sherloc (09022015). Collection method: clinical testing. Allele origin: germline.
Comment: This sequence change replaces arginine, which is basic and polar, with tryptophan, which is neutral and slightly polar, at codon 310 of the PLOD1 protein (p.Arg310Trp). This variant is present in population databases (rs11553674, gnomAD 0.02%). This variant has not been reported in the literature in individuals affected with PLOD1-related conditions. ClinVar contains an entry for this variant (Variation ID: 1059838). Advanced modeling of protein sequence and biophysical properties (such as structural, functional, and spatial information, amino acid conservation, physicochemical variation, residue mobility, and thermodynamic stability) performed at Invitae indicates that this missense variant is not expected to disrupt PLOD1 protein function. In summary, the available evidence is currently insufficient to determine the role of this variant in disease. Therefore, it has been classified as a Variant of Uncertain Significance.

Ambry Genetics
Classification: Uncertain significance for Familial thoracic aortic aneurysm and aortic dissection. Last evaluated: 2022-07-27. Review status: criteria provided, single submitter. Criteria: Ambry Variant Classification Scheme 2023. Collection method: clinical testing. Allele origin: germline.
Comment: The p.R310W variant (also known as c.928C>T), located in coding exon 9 of the PLOD1 gene, results from a C to T substitution at nucleotide position 928. The arginine at codon 310 is replaced by tryptophan, an amino acid with dissimilar properties. This amino acid position is conserved. In addition, the in silico prediction for this alteration is inconclusive. Since supporting evidence is limited at this time, the clinical significance of this alteration remains unclear.

NM_000302.4(PLOD1):c.928C>T (p.Arg310Trp)

Gene: PLOD1 (procollagen-lysine,2-oxoglutarate 5-dioxygenase 1; plus strand). Cytogenetic location: 1p36.22.
Variant type: single nucleotide variant.
Coding change: c.928C>T on transcript NM_000302.4 (MANE Select); coding-DNA position 928, C replaced by T.
Protein change: p.Arg310Trp; replaces arginine 310 with tryptophan.
Molecular consequence: missense variant.
Genome position (GRCh38, 1-based): chr1:11,958,600, C>T. VCF-style: chr1-11958600-C-T. GRCh37 (hg19) VCF-style: chr1-12018657-C-T.
Other names: c.1069C>T, p.Arg357Trp (NM_001316320.2); short protein forms R310W, R357W.
Identifiers: ClinVar variation 1059838 (VCV001059838.10), dbSNP rs11553674, ClinGen allele CA598198.